The following is an entry in ClinVar:

NM_001378328.1(CELSR1):c.8842G>A (p.Gly2948Ser)

Gene: CELSR1 (cadherin EGF LAG seven-pass G-type receptor 1; minus strand). Cytogenetic location: 22q13.31.
Variant type: single nucleotide variant.
Coding change: c.8842G>A on transcript NM_001378328.1 (MANE Select); coding-DNA position 8842, G replaced by A.
Protein change: p.Gly2948Ser; replaces glycine 2948 with serine.
Molecular consequence: missense variant.
Genome position (GRCh38, 1-based): chr22:46,364,189, C>T on the plus strand (G>A on the coding strand, the complement: CELSR1 is on the minus strand). VCF-style: chr22-46364189-C-T. GRCh37 (hg19) VCF-style: chr22-46760086-C-T.
Other names: c.8842G>A, p.Gly2948Ser (NM_014246.4); short protein forms G2948S.
Identifiers: ClinVar variation 1257697 (VCV001257697.5), dbSNP rs35364389, ClinGen allele CA10292603.

ClinVar aggregate classification (germline): Benign. Review status: criteria provided, multiple submitters, no conflicts (2 of 4 stars). 3 submissions from 3 submitters: Benign (2). 1 of the submissions does not count toward it. Last evaluated 2018-10-12.

Conditions:
CELSR1-related disorder. Also called: CELSR1-related condition.

Allele frequency attached by ClinVar (database versions not stated): gnomAD exomes 0.13753 and 0.14679; ExAC 0.14395; 1000 Genomes Project 0.17951; 1000 Genomes Project 30x 0.18410; gnomAD 0.21438 and 0.22454; TOPMed 0.21657; ESP Exome Variant Server 0.22661.
gnomAD v4.1: 246,854 of 1,611,808 alleles (15%); highest among the groups gnomAD compares: African/African-American, 41%; 22,631 homozygotes.

Submissions (3):

GeneDx
Classification: Benign. Last evaluated: 2018-10-12. Review status: criteria provided, single submitter. Criteria: GeneDx Variant Classification Process June 2021. Collection method: clinical testing. Allele origin: germline. Affected: yes.

Breakthrough Genomics
Classification: Benign. Review status: criteria provided, single submitter. Criteria: ACMG Guidelines, 2015. Collection method: not provided. Allele origin: germline. Inheritance: Autosomal dominant inheritance. Affected: yes.

PreventionGenetics, part of Exact Sciences
Classification: Benign for CELSR1-related condition. Last evaluated: 2019-10-29. Review status: no assertion criteria provided. Collection method: clinical testing. Allele origin: germline. Not counted in ClinVar's aggregate classification.
Comment: This variant is classified as benign based on ACMG/AMP sequence variant interpretation guidelines (Richards et al. 2015 PMID: 25741868, with internal and published modifications).